The following is an entry in ClinVar:

NM_004336.5(BUB1):c.1693C>T (p.Pro565Ser)

Gene: BUB1 (BUB1 mitotic checkpoint serine/threonine kinase; minus strand). Cytogenetic location: 2q13.
Variant type: single nucleotide variant.
Coding change: c.1693C>T on transcript NM_004336.5 (MANE Select); coding-DNA position 1693, C replaced by T.
Protein change: p.Pro565Ser; replaces proline 565 with serine.
Molecular consequence: missense variant.
Genome position (GRCh38, 1-based): chr2:110,657,041, G>A on the plus strand (C>T on the coding strand, the complement: BUB1 is on the minus strand). VCF-style: chr2-110657041-G-A. GRCh37 (hg19) VCF-style: chr2-111414618-G-A.
Other names: c.1633C>T, p.Pro545Ser (NM_001278616.2); c.1693C>T, p.Pro565Ser (NM_001278617.2); short protein forms P565S, P545S.
Identifiers: ClinVar variation 1778179 (VCV001778179.2), dbSNP rs1193051493, ClinGen allele CA348211294.

ClinVar aggregate classification (germline): Uncertain significance (1 of 4 stars; one submission).

Allele frequency attached by ClinVar (database versions not stated): gnomAD exomes below 0.00001.
gnomAD v4.1: 2 of 1,612,102 alleles (0.00012%); highest among the groups gnomAD compares: Admixed American, 0.0017%; no homozygotes.

Submission:

Ambry Genetics
Classification: Uncertain significance. Last evaluated: 2022-07-10. Review status: criteria provided, single submitter. Criteria: Ambry Variant Classification Scheme 2023. Collection method: clinical testing. Allele origin: germline.
Comment: The p.P565S variant (also known as c.1693C>T), located in coding exon 15 of the BUB1 gene, results from a C to T substitution at nucleotide position 1693. The proline at codon 565 is replaced by serine, an amino acid with similar properties. This amino acid position is conserved. In addition, this alteration is predicted to be tolerated by in silico analysis. Since supporting evidence is limited at this time, the clinical significance of this alteration remains unclear.